The following is an entry in ClinVar:

NM_177438.3(DICER1):c.5113G>T (p.Glu1705Ter)

Gene: DICER1 (dicer 1, ribonuclease III; minus strand). Cytogenetic location: 14q32.13.
Variant type: single nucleotide variant.
Coding change: c.5113G>T on transcript NM_177438.3 (MANE Select); coding-DNA position 5113, G replaced by T.
Protein change: p.Glu1705Ter; replaces glutamic acid 1705 with a stop codon.
Molecular consequence: nonsense. On other transcripts: non-coding transcript variant (6).
Genome position (GRCh38, 1-based): chr14:95,094,139, C>A on the plus strand (G>T on the coding strand, the complement: DICER1 is on the minus strand). VCF-style: chr14-95094139-C-A. GRCh37 (hg19) VCF-style: chr14-95560476-C-A.
Other names: c.5113G>T, p.Glu1705Ter (NM_001195573.1, NM_001271282.3, NM_001291628.2 and 8 more transcripts); c.4831G>T, p.Glu1611Ter (NM_001395686.1); c.4708G>T, p.Glu1570Ter (NM_001395687.1, NM_001395688.1, NM_001395689.1 and 1 more transcripts); c.4546G>T, p.Glu1516Ter (NM_001395691.1); c.3430G>T, p.Glu1144Ter (NM_001395697.1); short protein forms E1144*, E1516*, E1570*, E1611*, E1705*.
Identifiers: ClinVar variation 4530092 (VCV004530092.1).

ClinVar aggregate classification (somatic clinical impact): Tier II - Potential (1 of 4 stars; one submission).

Conditions:
Diffuse pediatric-type high-grade glioma, H3-wildtype and IDH-wildtype. Identifiers: MedGen C5669918, MONDO:0858939.

Submission:

Institute for Genomic Medicine (IGM) Clinical Laboratory, Nationwide Children's Hospital
Classification: Tier II - Potential for Diffuse pediatric-type high-grade glioma, H3-wildtype and IDH-wildtype. Assertion type: diagnostic. Clinical significance: supports diagnosis. Last evaluated: 2022-10-14. Review status: criteria provided, single submitter. Criteria: AMP/ASCO/CAP Guidelines, 2017. Collection method: clinical testing. Allele origin: somatic. Affected: yes.
Comment: Variant has Tier II (potential) clinical significance as a diagnostic inclusion criterion in diffuse pediatric-type high-grade glioma, H3-wildtype and IDH-wildtype, based on the following evidence: 1) Information in the literature supports potential biologic effect of variant (PMIDs: 32291395, 29881993, 25176334). 2) Assists in diagnosis alone or along with other biomarkers based on small studies or few case reports (Evidence Level D; PMIDs: 35901678, 31820118, 21266384).

Literature cited by the submitters: PubMed 32291395; PubMed 29881993; PubMed 25176334; PubMed 35901678; PubMed 31820118; PubMed 21266384.